The following is an entry in ClinVar:

ClinVar aggregate classification (germline): Pathogenic (1 of 4 stars; one submission).

Submission:

Labcorp Genetics (formerly Invitae), Labcorp
Classification: Pathogenic. Last evaluated: 2025-01-27. Review status: criteria provided, single submitter. Criteria: Invitae Variant Classification Sherloc (09022015). Collection method: clinical testing. Allele origin: germline.
Comment: This sequence change creates a premature translational stop signal (p.Ser522*) in the CHM gene. It is expected to result in an absent or disrupted protein product. Loss-of-function variants in CHM are known to be pathogenic (PMID: 9067750, 23811034). This variant is not present in population databases (gnomAD no frequency). This premature translational stop signal has been observed in individual(s) with choroideremia (PMID: 31922496). ClinVar contains an entry for this variant (Variation ID: 1072298). Algorithms developed to predict the effect of sequence changes on RNA splicing suggest that this variant may disrupt the consensus splice site. For these reasons, this variant has been classified as Pathogenic.

Literature cited by the submitters: PubMed 9067750; PubMed 23811034; PubMed 31922496.

NM_000390.4(CHM):c.1565C>A (p.Ser522Ter)

Gene: CHM (CHM Rab escort protein; minus strand). Cytogenetic location: Xq21.2.
Variant type: single nucleotide variant.
Coding change: c.1565C>A on transcript NM_000390.4 (MANE Select); coding-DNA position 1565, C replaced by A.
Protein change: p.Ser522Ter; replaces serine 522 with a stop codon.
Molecular consequence: nonsense.
Genome position (GRCh38, 1-based): chrX:85,879,009, G>T on the plus strand (C>A on the coding strand, the complement: CHM is on the minus strand). VCF-style: chrX-85879009-G-T. GRCh37 (hg19) VCF-style: chrX-85134014-G-T.
Other names: c.1121C>A, p.Ser374Ter (NM_001320959.1, NM_001362517.1, NM_001362518.2 and 1 more transcripts); short protein forms S374*, S522*.
Identifiers: ClinVar variation 1072298 (VCV001072298.8), dbSNP rs2148126425, ClinGen allele CA413787578.